The following is an entry in ClinVar:

ClinVar aggregate classification (germline): Uncertain significance. Review status: criteria provided, multiple submitters, no conflicts (2 of 4 stars). 2 submissions from 2 submitters: Uncertain significance (2). Last evaluated 2025-11-03.

Conditions:
Hereditary cancer-predisposing syndrome. Also called: Hereditary Cancer Syndrome; Neoplastic Syndromes, Hereditary; Tumor predisposition; Hereditary neoplastic syndrome. Identifiers: Orphanet 140162, MedGen C0027672, MeSH D009386, MONDO:0015356.
Ataxia-telangiectasia syndrome (AT). Also called: Ataxia telangiectasia (A-T); Ataxia-telangiectasia, complementation group E; LOUIS-BAR SYNDROME; Cerebello-oculocutaneous telangiectasia; Immunodeficiency with ataxia telangiectasia; Ataxia-telangiectasia, complementation group D. Identifiers: Orphanet 100, MedGen C0004135, MONDO:0008840, OMIM 208900.

gnomAD v4.1: 5 of 1,614,010 alleles (0.00031%); highest among the groups gnomAD compares: Non-Finnish European, 0.00034%; no homozygotes.

Submissions (2):

Labcorp Genetics (formerly Invitae), Labcorp
Classification: Uncertain significance for Ataxia-telangiectasia syndrome. Last evaluated: 2025-11-03. Review status: criteria provided, single submitter. Criteria: Invitae Variant Classification Sherloc (09022015). Collection method: clinical testing. Allele origin: germline.
Comment: This sequence change replaces leucine, which is neutral and non-polar, with phenylalanine, which is neutral and non-polar, at codon 464 of the ATM protein (p.Leu464Phe). This variant is not present in population databases (gnomAD no frequency). This variant has not been reported in the literature in individuals affected with ATM-related conditions. ClinVar contains an entry for this variant (Variation ID: 229751). Invitae Evidence Modeling of protein sequence and biophysical properties (such as structural, functional, and spatial information, amino acid conservation, physicochemical variation, residue mobility, and thermodynamic stability) indicates that this missense variant is not expected to disrupt ATM protein function with a negative predictive value of 95%. In summary, the available evidence is currently insufficient to determine the role of this variant in disease. Therefore, it has been classified as a Variant of Uncertain Significance.

Ambry Genetics
Classification: Uncertain significance for Hereditary cancer-predisposing syndrome. Last evaluated: 2022-01-05. Review status: criteria provided, single submitter. Criteria: Ambry Variant Classification Scheme 2023. Collection method: clinical testing. Allele origin: germline.
Comment: The p.L464F variant (also known as c.1392G>T), located in coding exon 9 of the ATM gene, results from a G to T substitution at nucleotide position 1392. The leucine at codon 464 is replaced by phenylalanine, an amino acid with highly similar properties. This amino acid position is well conserved in available vertebrate species. In addition, this alteration is predicted to be tolerated by in silico analysis. Since supporting evidence is limited at this time, the clinical significance of this alteration remains unclear.

NM_000051.4(ATM):c.1392G>T (p.Leu464Phe)

Gene: ATM (ATM serine/threonine kinase; plus strand). Cytogenetic location: 11q22.3.
Variant type: single nucleotide variant.
Coding change: c.1392G>T on transcript NM_000051.4 (MANE Select); coding-DNA position 1392, G replaced by T.
Protein change: p.Leu464Phe; replaces leucine 464 with phenylalanine.
Molecular consequence: missense variant.
Genome position (GRCh38, 1-based): chr11:108,250,857, G>T. VCF-style: chr11-108250857-G-T. GRCh37 (hg19) VCF-style: chr11-108121584-G-T.
Other names: c.1392G>T, p.Leu464Phe (NM_001351834.2); short protein forms L464F.
Identifiers: ClinVar variation 229751 (VCV000229751.13), dbSNP rs760191806, ClinGen allele CA10579006.